The following is an entry in ClinVar:

NM_001350451.2(RBFOX3):c.307G>A (p.Val103Ile)

Gene: RBFOX3 (RNA binding fox-1 homolog 3; minus strand). Cytogenetic location: 17q25.3.
Variant type: single nucleotide variant.
Coding change: c.307G>A on transcript NM_001350451.2 (MANE Select); coding-DNA position 307, G replaced by A.
Protein change: p.Val103Ile; replaces valine 103 with isoleucine.
Molecular consequence: missense variant.
Genome position (GRCh38, 1-based): chr17:79,106,704, C>T on the plus strand (G>A on the coding strand, the complement: RBFOX3 is on the minus strand). VCF-style: chr17-79106704-C-T. GRCh37 (hg19) VCF-style: chr17-77102786-C-T.
Other names: c.307G>A, p.Val103Ile (NM_001082575.3, NM_001350453.2, NM_001385804.1 and 36 more transcripts); c.304G>A, p.Val102Ile (NM_001385806.1, NM_001385822.1, NM_001385823.1 and 4 more transcripts); short protein forms V102I, V103I.
Identifiers: ClinVar variation 1431037 (VCV001431037.6), dbSNP rs1465377886, ClinGen allele CA401317627.

ClinVar aggregate classification (germline): Uncertain significance (1 of 4 stars; one submission).

Conditions:
Idiopathic generalized epilepsy. Also called: EIG; Generalised epilepsy. Identifiers: MedGen C0270850, MONDO:0005579, OMIM 600669.

Allele frequency attached by ClinVar (database versions not stated): gnomAD exomes below 0.00001.
gnomAD v4.1: 6 of 1,493,536 alleles (0.0004%); highest among the groups gnomAD compares: Non-Finnish European, 0.00053%; no homozygotes.

Submission:

Labcorp Genetics (formerly Invitae), Labcorp
Classification: Uncertain significance for Idiopathic generalized epilepsy. Last evaluated: 2021-10-12. Review status: criteria provided, single submitter. Criteria: Invitae Variant Classification Sherloc (09022015). Collection method: clinical testing. Allele origin: germline.
Comment: Algorithms developed to predict the effect of missense changes on protein structure and function (SIFT, PolyPhen-2, Align-GVGD) all suggest that this variant is likely to be disruptive. This variant has not been reported in the literature in individuals affected with RBFOX3-related conditions. This variant is not present in population databases (ExAC no frequency). This sequence change replaces valine with isoleucine at codon 103 of the RBFOX3 protein (p.Val103Ile). The valine residue is highly conserved and there is a small physicochemical difference between valine and isoleucine. In summary, the available evidence is currently insufficient to determine the role of this variant in disease. Therefore, it has been classified as a Variant of Uncertain Significance.